The following is an entry in ClinVar:

NM_030665.4(RAI1):c.5217A>T (p.Thr1739=)

Gene: RAI1 (retinoic acid induced 1; plus strand). Cytogenetic location: 17p11.2.
Variant type: single nucleotide variant.
Coding change: c.5217A>T on transcript NM_030665.4 (MANE Select); coding-DNA position 5217, A replaced by T.
Protein change: p.Thr1739=; no amino-acid change (threonine 1739 retained).
Molecular consequence: synonymous variant.
Genome position (GRCh38, 1-based): chr17:17,798,165, A>T. VCF-style: chr17-17798165-A-T. GRCh37 (hg19) VCF-style: chr17-17701479-A-T.
Identifiers: ClinVar variation 5000773 (VCV005000773.1).

ClinVar aggregate classification (germline): Likely benign (1 of 4 stars; one submission).

Conditions:
RAI1-related disorder. Also called: RAI1-related condition.

Submission:

PreventionGenetics, part of Exact Sciences
Classification: Likely benign for RAI1-related condition. Last evaluated: 2024-12-09. Review status: criteria provided, single submitter. Criteria: ACMG Guidelines, 2015. Collection method: clinical testing. Allele origin: germline.
Comment: This variant is classified as likely benign based on ACMG/AMP sequence variant interpretation guidelines (Richards et al. 2015 PMID: 25741868, with internal and published modifications).